The following is an entry in ClinVar:

NM_018127.7(ELAC2):c.2435G>T (p.Arg812Leu)

Gene: ELAC2 (elaC ribonuclease Z 2; minus strand). Cytogenetic location: 17p12.
Variant type: single nucleotide variant.
Coding change: c.2435G>T on transcript NM_018127.7 (MANE Select); coding-DNA position 2435, G replaced by T.
Protein change: p.Arg812Leu; replaces arginine 812 with leucine.
Molecular consequence: missense variant.
Genome position (GRCh38, 1-based): chr17:12,992,864, C>A on the plus strand (G>T on the coding strand, the complement: ELAC2 is on the minus strand). VCF-style: chr17-12992864-C-A. GRCh37 (hg19) VCF-style: chr17-12896181-C-A.
Other names: c.2315G>T, p.Arg772Leu (NM_001165962.2); c.2432G>T, p.Arg811Leu (NM_173717.2); short protein forms R772L, R811L, R812L.
Identifiers: ClinVar variation 4754325 (VCV004754325.1).

ClinVar aggregate classification (germline): Uncertain significance (1 of 4 stars; one submission).

Conditions:
Combined oxidative phosphorylation defect type 17. Also called: Combined oxidative phosphorylation deficiency 17. Identifiers: Orphanet 369913, MedGen C3809526, MONDO:0014190, OMIM 615440.

gnomAD v4.1: 19 of 1,613,556 alleles (0.0012%); highest among the groups gnomAD compares: Non-Finnish European, 0.0016%; 1 homozygote.

Submission:

Labcorp Genetics (formerly Invitae), Labcorp
Classification: Uncertain significance for Combined oxidative phosphorylation defect type 17. Last evaluated: 2025-10-01. Review status: criteria provided, single submitter. Criteria: Invitae Variant Classification Sherloc (09022015). Collection method: clinical testing. Allele origin: germline.
Comment: This sequence change replaces arginine, which is basic and polar, with leucine, which is neutral and non-polar, at codon 812 of the ELAC2 protein (p.Arg812Leu). This variant is present in population databases (rs560083267, gnomAD 0.005%). This variant has not been reported in the literature in individuals affected with ELAC2-related conditions. An algorithm developed to predict the effect of missense changes on protein structure and function (PolyPhen-2) suggests that this variant is likely to be tolerated. In summary, the available evidence is currently insufficient to determine the role of this variant in disease. Therefore, it has been classified as a Variant of Uncertain Significance.